The following is an entry in ClinVar:

ClinVar aggregate classification (germline): Uncertain significance (1 of 4 stars; one submission).

Conditions:
Infantile-onset ascending hereditary spastic paralysis (IAHSP). Also called: Autosomal Recessive Juvenile Amyotrophic Lateral Sclerosis; Infantile-Onset Ascending Hereditary Spastic Paralysis (IAHSP). Identifiers: Orphanet 293168, MedGen C2931441, MONDO:0011797, OMIM 607225. Disease mechanism: loss of function.

Allele frequency attached by ClinVar (database versions not stated): gnomAD exomes 0.00001 and 0.00002; ExAC 0.00003.
gnomAD v4.1: 20 of 1,614,018 alleles (0.0012%); highest among the groups gnomAD compares: Middle Eastern, 0.016%; no homozygotes.

Submission:

Labcorp Genetics (formerly Invitae), Labcorp
Classification: Uncertain significance for Infantile-onset ascending hereditary spastic paralysis. Last evaluated: 2020-02-05. Review status: criteria provided, single submitter. Criteria: Invitae Variant Classification Sherloc (09022015). Collection method: clinical testing. Allele origin: germline.
Comment: In summary, the available evidence is currently insufficient to determine the role of this variant in disease. Therefore, it has been classified as a Variant of Uncertain Significance. Algorithms developed to predict the effect of missense changes on protein structure and function are either unavailable or do not agree on the potential impact of this missense change (SIFT: "Tolerated"; PolyPhen-2: "Possibly Damaging"; Align-GVGD: "Class C0"). This variant has not been reported in the literature in individuals with ALS2-related conditions. This variant is present in population databases (rs760216233, ExAC 0.009%). This sequence change replaces arginine with glutamine at codon 501 of the ALS2 protein (p.Arg501Gln). The arginine residue is moderately conserved and there is a small physicochemical difference between arginine and glutamine.

NM_020919.4(ALS2):c.1502G>A (p.Arg501Gln)

Gene: ALS2 (alsin Rho guanine nucleotide exchange factor ALS2; minus strand). Cytogenetic location: 2q33.1.
Variant type: single nucleotide variant.
Coding change: c.1502G>A on transcript NM_020919.4 (MANE Select); coding-DNA position 1502, G replaced by A.
Protein change: p.Arg501Gln; replaces arginine 501 with glutamine.
Molecular consequence: missense variant.
Genome position (GRCh38, 1-based): chr2:201,754,641, C>T on the plus strand (G>A on the coding strand, the complement: ALS2 is on the minus strand). VCF-style: chr2-201754641-C-T. GRCh37 (hg19) VCF-style: chr2-202619364-C-T.
Other names: short protein forms R501Q.
Identifiers: ClinVar variation 1019842 (VCV001019842.8), dbSNP rs760216233, ClinGen allele CA2058443.